The following is an entry in ClinVar:

NM_024685.4(BBS10):c.1589G>A (p.Arg530Lys)

Gene: BBS10 (Bardet-Biedl syndrome 10; minus strand). Cytogenetic location: 12q21.2.
Variant type: single nucleotide variant.
Coding change: c.1589G>A on transcript NM_024685.4 (MANE Select); coding-DNA position 1589, G replaced by A.
Protein change: p.Arg530Lys; replaces arginine 530 with lysine.
Molecular consequence: missense variant.
Genome position (GRCh38, 1-based): chr12:76,346,396, C>T on the plus strand (G>A on the coding strand, the complement: BBS10 is on the minus strand). VCF-style: chr12-76346396-C-T. GRCh37 (hg19) VCF-style: chr12-76740176-C-T.
Other names: short protein forms R530K.
Identifiers: ClinVar variation 2178494 (VCV002178494.4), dbSNP rs1592491721, ClinGen allele CA385810852.

ClinVar aggregate classification (germline): Uncertain significance (1 of 4 stars; one submission).

Conditions:
Bardet-Biedl syndrome (BBS). Identifiers: Orphanet 110, MedGen C0752166, MONDO:0015229.

Submission:

Labcorp Genetics (formerly Invitae), Labcorp
Classification: Uncertain significance for Bardet-Biedl syndrome. Last evaluated: 2022-10-13. Review status: criteria provided, single submitter. Criteria: Invitae Variant Classification Sherloc (09022015). Collection method: clinical testing. Allele origin: germline.
Comment: In summary, the available evidence is currently insufficient to determine the role of this variant in disease. Therefore, it has been classified as a Variant of Uncertain Significance. Advanced modeling of protein sequence and biophysical properties (such as structural, functional, and spatial information, amino acid conservation, physicochemical variation, residue mobility, and thermodynamic stability) performed at Invitae indicates that this missense variant is not expected to disrupt BBS10 protein function. This variant has not been reported in the literature in individuals affected with BBS10-related conditions. This variant is not present in population databases (gnomAD no frequency). This sequence change replaces arginine, which is basic and polar, with lysine, which is basic and polar, at codon 530 of the BBS10 protein (p.Arg530Lys).